The following is an entry in ClinVar:

ClinVar aggregate classification (germline): Uncertain significance (1 of 4 stars; one submission).

Conditions:
Senior-Loken syndrome 8 (SLSN8). Identifiers: Orphanet 3156, MedGen C4225376, MONDO:0014579, OMIM 616307.
Asphyxiating thoracic dystrophy 5 (SRTD5). Also called: SHORT-RIB THORACIC DYSPLASIA 5 WITH OR WITHOUT POLYDACTYLY; SHORT-RIB THORACIC DYSPLASIA 5 WITHOUT POLYDACTYLY. Identifiers: Orphanet 474, MedGen C3280598, MONDO:0013717, OMIM 614376.

gnomAD v4.1: 4 of 1,613,956 alleles (0.00025%); highest among the groups gnomAD compares: East Asian, 0.0045%; no homozygotes.

Submission:

Labcorp Genetics (formerly Invitae), Labcorp
Classification: Uncertain significance for Senior-Loken syndrome 8; Asphyxiating thoracic dystrophy 5. Last evaluated: 2022-07-12. Review status: criteria provided, single submitter. Criteria: Invitae Variant Classification Sherloc (09022015). Collection method: clinical testing. Allele origin: germline.
Comment: This sequence change replaces arginine, which is basic and polar, with proline, which is neutral and non-polar, at codon 828 of the WDR19 protein (p.Arg828Pro). In summary, the available evidence is currently insufficient to determine the role of this variant in disease. Therefore, it has been classified as a Variant of Uncertain Significance. Algorithms developed to predict the effect of missense changes on protein structure and function (SIFT, PolyPhen-2, Align-GVGD) all suggest that this variant is likely to be disruptive. This variant has not been reported in the literature in individuals affected with WDR19-related conditions. This variant is not present in population databases (gnomAD no frequency).

NM_025132.4(WDR19):c.2483G>C (p.Arg828Pro)

Gene: WDR19 (WD repeat domain 19; plus strand). Cytogenetic location: 4p14.
Variant type: single nucleotide variant.
Coding change: c.2483G>C on transcript NM_025132.4 (MANE Select); coding-DNA position 2483, G replaced by C.
Protein change: p.Arg828Pro; replaces arginine 828 with proline.
Molecular consequence: missense variant.
Genome position (GRCh38, 1-based): chr4:39,244,309, G>C. VCF-style: chr4-39244309-G-C. GRCh37 (hg19) VCF-style: chr4-39245929-G-C.
Other names: c.2003G>C, p.Arg668Pro (NM_001317924.2); short protein forms R668P, R828P.
Identifiers: ClinVar variation 2015259 (VCV002015259.4), dbSNP rs771137155, ClinGen allele CA356637371.